The following is an entry in ClinVar:

NM_001048174.2(MUTYH):c.855G>C (p.Glu285Asp)

Gene: MUTYH (mutY DNA glycosylase; minus strand). Cytogenetic location: 1p34.1.
Variant type: single nucleotide variant.
Coding change: c.855G>C on transcript NM_001048174.2 (MANE Select); coding-DNA position 855, G replaced by C.
Protein change: p.Glu285Asp; replaces glutamic acid 285 with aspartic acid.
Molecular consequence: missense variant. On other transcripts: non-coding transcript variant (7).
Genome position (GRCh38, 1-based): chr1:45,332,081, C>G on the plus strand (G>C on the coding strand, the complement: MUTYH is on the minus strand). VCF-style: chr1-45332081-C-G. GRCh37 (hg19) VCF-style: chr1-45797753-C-G.
Other names: c.897G>C, p.Glu299Asp (NM_001407083.1, NM_001407085.1); c.858G>C, p.Glu286Asp (NM_001407086.1, NM_001048172.2, NM_001407071.1 and 1 more transcripts); c.876G>C, p.Glu292Asp (NM_001407087.1); c.855G>C, p.Glu285Asp (NM_001407088.1, NM_001407089.1, NM_001293195.2 and 6 more transcripts); c.579G>C, p.Glu193Asp (NM_001407091.1, NM_001293192.2, NM_001293196.2); c.930G>C, p.Glu310Asp (NM_012222.3); c.900G>C, p.Glu300Asp (NM_001293190.2); c.888G>C, p.Glu296Asp (NM_001293191.2, NM_001407069.1, NM_001407077.1); and 5 more; short protein forms E271D, E299D, E292D, E296D, E300D, E310D, E170D, E257D.
Identifiers: ClinVar variation 4113921 (VCV004113921.1).

ClinVar aggregate classification (germline): Uncertain significance (1 of 4 stars; one submission).

Conditions:
Hereditary cancer-predisposing syndrome. Also called: Hereditary neoplastic syndrome; Neoplastic Syndromes, Hereditary; Tumor predisposition; Hereditary Cancer Syndrome. Identifiers: Orphanet 140162, MedGen C0027672, MeSH D009386, MONDO:0015356.

Submission:

Ambry Genetics
Classification: Uncertain significance for Hereditary cancer-predisposing syndrome. Last evaluated: 2025-08-27. Review status: criteria provided, single submitter. Criteria: Ambry Variant Classification Scheme 2023. Collection method: clinical testing. Allele origin: germline.
Comment: The p.E313D variant (also known as c.939G>C), located in coding exon 11 of the MUTYH gene, results from a G to C substitution at nucleotide position 939. The glutamic acid at codon 313 is replaced by aspartic acid, an amino acid with highly similar properties. This amino acid position is conserved. In addition, this alteration is predicted to be tolerated by in silico analysis. Based on the available evidence, the clinical significance of this variant remains unclear.